The following is an entry in ClinVar:

NM_031372.4(HNRNPDL):c.358A>G (p.Met120Val)

Gene: HNRNPDL (heterogeneous nuclear ribonucleoprotein D like; minus strand). Cytogenetic location: 4q21.22.
Variant type: single nucleotide variant.
Coding change: c.358A>G on transcript NM_031372.4 (MANE Select); coding-DNA position 358, A replaced by G.
Protein change: p.Met120Val; replaces methionine 120 with valine.
Molecular consequence: missense variant. On other transcripts: non-coding transcript variant (1).
Genome position (GRCh38, 1-based): chr4:82,429,333, T>C on the plus strand (A>G on the coding strand, the complement: HNRNPDL is on the minus strand). VCF-style: chr4-82429333-T-C. GRCh37 (hg19) VCF-style: chr4-83350486-T-C.
Other names: c.358A>G, p.Met120Val (NM_001207000.1); short protein forms M120V.
Identifiers: ClinVar variation 4880937 (VCV004880937.2).

ClinVar aggregate classification (germline): Uncertain significance (1 of 4 stars; one submission).

Conditions:
Autosomal dominant limb-girdle muscular dystrophy type 1G (LGMDD3). Also called: Limb-girdle muscular dystrophy, type 1G; MUSCULAR DYSTROPHY, LIMB-GIRDLE, AUTOSOMAL DOMINANT 3. Identifiers: Orphanet 55596, MedGen C1836765, MONDO:0012193, OMIM 609115.

Submission:

Dasa
Classification: Uncertain significance for Autosomal dominant limb-girdle muscular dystrophy type 1G. Last evaluated: 2025-10-08. Review status: criteria provided, single submitter. Criteria: DASA Assertion Criteria. Collection method: clinical testing. Allele origin: germline.
Comment: NM_031372.4(HNRNPDL):c.358A>G (p.Met120Val) is a missense variant that results in the substitution of methionine with valine. This variant is rare in population databases. The currently available literature and clinical evidence are not sufficient to establish a definitive association between this variant and the reported condition. Therefore, this variant is classified as a variant of uncertain significance.